The following is an entry in ClinVar:

NC_000001.10:g.(?_16370276)_(16383804_?)del

Gene: CLCNKB (chloride voltage-gated channel Kb; plus strand). Cytogenetic location: 1p36.13.
Variant type: Deletion.
Identifiers: ClinVar variation 3374899 (VCV003374899.2).

ClinVar aggregate classification (germline): Pathogenic (1 of 4 stars; one submission).

Conditions:
Bartter syndrome. Identifiers: Orphanet 112, MedGen C0004775, MONDO:0015231.

Submission:

Women's Health and Genetics/Laboratory Corporation of America, LabCorp
Classification: Pathogenic for Bartter syndrome. Last evaluated: 2025-11-07. Review status: criteria provided, single submitter. Criteria: LabCorp Variant Classification Summary - May 2015. Collection method: clinical testing. Allele origin: germline.
Comment: Variant summary: The variant involves the deletion of exons 1-20 in the CLCNKB gene. A presumed nomenclature of c.(?_-107)_(*393_?)del has been designated for the purposes of this classification. This deletion includes the entire coding sequence of the gene. As the exact proximal and distal breakpoints are unknown, it may extend beyond the annotated region of the gene to include other flanking genes. Loss-of-function variants in this gene are known to be pathogenic. The variant allele was found at a frequency of 0.0021 in 19846 control chromosomes (no homozygotes). c.(?_-107)_(*393_?)del has been reported in the literature in multiple homozygous and compound heterozygous individuals affected with Bartter Syndrome, Type 3, and the variant was shown to segregate with disease (e.g., Guven_2022, Li_2019, Otsubo_2021, Zhao_2022). These data indicate that the variant is very likely to be associated with disease. The following publications have been ascertained in the context of this evaluation (PMID: 36305432, 31115572, 33827883, 35913199). ClinVar contains an entry for this variant (Variation ID: 565078, 565079). Based on the evidence outlined above, the variant was classified as pathogenic.

Literature cited by the submitters: PubMed 33827883; PubMed 36305432; PubMed 31115572; PubMed 35913199.